The following is an entry in ClinVar:

ClinVar aggregate classification (germline): Benign. Review status: criteria provided, multiple submitters, no conflicts (2 of 4 stars). 4 submissions from 4 submitters: Benign (4). Last evaluated 2026-01-14.

Allele frequency attached by ClinVar (database versions not stated): gnomAD exomes 0.00194; ExAC 0.00224; gnomAD 0.00685 and 0.00735; ESP Exome Variant Server 0.00700; 1000 Genomes Project 0.00739; TOPMed 0.00754; 1000 Genomes Project 30x 0.00859.

Submissions (4):

Labcorp Genetics (formerly Invitae), Labcorp
Classification: Benign. Last evaluated: 2026-01-14. Review status: criteria provided, single submitter. Criteria: Invitae Variant Classification Sherloc (09022015). Collection method: clinical testing. Allele origin: germline.

Mayo Clinic Laboratories, Mayo Clinic
Classification: Benign. Last evaluated: 2024-11-25. Review status: criteria provided, single submitter. Criteria: ACMG Guidelines, 2015. Collection method: clinical testing. Allele origin: germline. Observed: 7 variant alleles.
Comment: BS1, BS2, BP4, BP7

GeneDx
Classification: Benign. Last evaluated: 2014-01-25. Review status: criteria provided, single submitter. Criteria: GeneDx Variant Classification (06012015). Collection method: clinical testing. Allele origin: germline. Affected: yes.
Comment: This variant is considered likely benign or benign based on one or more of the following criteria: it is a conservative change, it occurs at a poorly conserved position in the protein, it is predicted to be benign by multiple in silico algorithms, and/or has population frequency not consistent with disease.

Breakthrough Genomics
Classification: Benign. Review status: criteria provided, single submitter. Criteria: ACMG Guidelines, 2015. Collection method: not provided. Allele origin: germline. Inheritance: Autosomal recessive inheritance. Affected: yes.

NM_138395.4(MARS2):c.24C>G (p.Arg8=)

Gene: MARS2 (methionyl-tRNA synthetase 2, mitochondrial; plus strand). Cytogenetic location: 2q33.1.
Variant type: single nucleotide variant.
Coding change: c.24C>G on transcript NM_138395.4 (MANE Select); coding-DNA position 24, C replaced by G.
Protein change: p.Arg8=; no amino-acid change (arginine 8 retained).
Molecular consequence: synonymous variant.
Genome position (GRCh38, 1-based): chr2:197,705,429, C>G. VCF-style: chr2-197705429-C-G. GRCh37 (hg19) VCF-style: chr2-198570153-C-G.
Other names: p.R8R:CGC>CGG; p.Arg8=.
Identifiers: ClinVar variation 138170 (VCV000138170.14), dbSNP rs116491566, ClinGen allele CA292013.